The following is an entry in ClinVar:

ClinVar aggregate classification (germline): Uncertain significance. Review status: criteria provided, multiple submitters, no conflicts (2 of 4 stars). 4 submissions from 4 submitters: Uncertain significance (4). Last evaluated 2024-10-04.

Conditions:
Tumor predisposition syndrome 3 (TPDS3). Also called: Melanoma, cutaneous malignant, susceptibility to, 10; Glioma susceptibility 9; LONG TELOMERE SYNDROME, POT1-RELATED; POT1 Tumor Predisposition. Identifiers: Orphanet 618, MedGen C4014476, MONDO:0014368, OMIM 615848.
Hereditary cancer-predisposing syndrome. Also called: Neoplastic Syndromes, Hereditary; Hereditary neoplastic syndrome; Tumor predisposition; Hereditary Cancer Syndrome. Identifiers: Orphanet 140162, MedGen C0027672, MeSH D009386, MONDO:0015356.

Allele frequency attached by ClinVar (database versions not stated): gnomAD exomes 0.00001 and 0.00003; TOPMed 0.00001.
gnomAD v4.1: 8 of 1,611,064 alleles (0.0005%); highest among the groups gnomAD compares: Admixed American, 0.012%; no homozygotes.

Submissions (4):

GeneDx
Classification: Uncertain significance. Last evaluated: 2024-10-04. Review status: criteria provided, single submitter. Criteria: GeneDx Variant Classification Process June 2021. Collection method: clinical testing. Allele origin: germline. Affected: yes.
Comment: In silico analysis indicates that this missense variant does not alter protein structure/function; Has not been previously published as pathogenic or benign to our knowledge

Labcorp Genetics (formerly Invitae), Labcorp
Classification: Uncertain significance for Tumor predisposition syndrome 3. Last evaluated: 2024-09-05. Review status: criteria provided, single submitter. Criteria: Invitae Variant Classification Sherloc (09022015). Collection method: clinical testing. Allele origin: germline.
Comment: This sequence change replaces alanine, which is neutral and non-polar, with valine, which is neutral and non-polar, at codon 299 of the POT1 protein (p.Ala299Val). This variant is present in population databases (no rsID available, gnomAD 0.02%). This variant has not been reported in the literature in individuals affected with POT1-related conditions. ClinVar contains an entry for this variant (Variation ID: 855212). Invitae Evidence Modeling of protein sequence and biophysical properties (such as structural, functional, and spatial information, amino acid conservation, physicochemical variation, residue mobility, and thermodynamic stability) indicates that this missense variant is not expected to disrupt POT1 protein function with a negative predictive value of 80%. In summary, the available evidence is currently insufficient to determine the role of this variant in disease. Therefore, it has been classified as a Variant of Uncertain Significance.

Ambry Genetics
Classification: Uncertain significance for Hereditary cancer-predisposing syndrome. Last evaluated: 2024-04-22. Review status: criteria provided, single submitter. Criteria: Ambry Variant Classification Scheme 2023. Collection method: clinical testing. Allele origin: germline.
Comment: The p.A299V variant (also known as c.896C>T), located in coding exon 7 of the POT1 gene, results from a C to T substitution at nucleotide position 896. The alanine at codon 299 is replaced by valine, an amino acid with similar properties. This amino acid position is not well conserved in available vertebrate species. In addition, this alteration is predicted to be tolerated by in silico analysis. Since supporting evidence is limited at this time, the clinical significance of this alteration remains unclear.

Quest Diagnostics Nichols Institute San Juan Capistrano
Classification: Uncertain significance. Last evaluated: 2023-03-03. Review status: criteria provided, single submitter. Criteria: Quest Diagnostics criteria. Collection method: clinical testing. Allele origin: unknown.
Comment: To the best of our knowledge, the variant has not been reported in the published literature. The frequency of this variant in the general population, 0.00017 (6/34494 chromosomes in Latino/Admixed American subpopulation), is higher than would generally be expected for pathogenic variants in this gene. Analysis of this variant using bioinformatics tools for the prediction of the effect of amino acid changes on protein structure and function yielded predictions that this variant is benign. Based on the available information, we are unable to determine the clinical significance of this variant.

NM_015450.3(POT1):c.896C>T (p.Ala299Val)

Gene: POT1 (protection of telomeres 1; minus strand). Cytogenetic location: 7q31.33.
Variant type: single nucleotide variant.
Coding change: c.896C>T on transcript NM_015450.3 (MANE Select); coding-DNA position 896, C replaced by T.
Protein change: p.Ala299Val; replaces alanine 299 with valine.
Molecular consequence: missense variant. On other transcripts: non-coding transcript variant (3).
Genome position (GRCh38, 1-based): chr7:124,851,925, G>A on the plus strand (C>T on the coding strand, the complement: POT1 is on the minus strand). VCF-style: chr7-124851925-G-A. GRCh37 (hg19) VCF-style: chr7-124491979-G-A.
Other names: c.503C>T, p.Ala168Val (NM_001042594.2); short protein forms A168V, A299V.
Identifiers: ClinVar variation 855212 (VCV000855212.12), dbSNP rs913532816, ClinGen allele CA166064030.